The following is an entry in ClinVar:

ClinVar aggregate classification (germline): Pathogenic. Review status: criteria provided, multiple submitters, no conflicts (2 of 4 stars). 2 submissions from 2 submitters: Pathogenic (2). Last evaluated 2024-02-01.

Conditions:
Hereditary cancer-predisposing syndrome. Also called: Hereditary neoplastic syndrome; Neoplastic Syndromes, Hereditary; Tumor predisposition; Hereditary Cancer Syndrome. Identifiers: Orphanet 140162, MedGen C0027672, MeSH D009386, MONDO:0015356.
Familial cancer of breast. Also called: Hereditary breast cancer; hereditary breast carcinoma; BREAST CANCER, FAMILIAL. Identifiers: Orphanet 227535, MedGen C0346153, MONDO:0016419, OMIM 114480. Disease mechanism: loss of function.

Submissions (2):

Myriad Genetics, Inc.
Classification: Pathogenic for Familial cancer of breast. Last evaluated: 2024-02-01. Review status: criteria provided, single submitter. Criteria: Myriad Autosomal Dominant, Autosomal Recessive and X-Linked Classification Criteria (2023). Collection method: clinical testing. Allele origin: unknown.
Comment: This variant is considered pathogenic. This variant creates a frameshift predicted to result in premature protein truncation.

Ambry Genetics
Classification: Pathogenic for Hereditary cancer-predisposing syndrome. Last evaluated: 2021-03-30. Review status: criteria provided, single submitter. Criteria: Ambry Variant Classification Scheme 2023. Collection method: clinical testing. Allele origin: germline.
Comment: The c.7793_7798delGAACAGinsCC pathogenic mutation, located in coding exon 52 of the ATM gene, results from the deletion of 6 nucleotides and insertion of 2 nucleotides at nucleotide position 7793 to 7798, causing a translational frameshift with a predicted alternate stop codon (p.R2598Pfs*7). This mutation has been detected in conjunction with a second ATM mutation in a patient with ataxia telangiectasia (Buzin CH et al. Hum. Mutat. 2003 Feb; 21(2):123-31). In addition to the clinical data presented in the literature, this alteration is expected to result in loss of function by premature protein truncation or nonsense-mediated mRNA decay. As such, this alteration is interpreted as a disease-causing mutation.

NM_000051.4(ATM):c.7793_7798delinsCC (p.Arg2598fs)

Genes: ATM (ATM serine/threonine kinase; plus strand), C11orf65 (chromosome 11 open reading frame 65; minus strand). Cytogenetic location: 11q22.3.
Variant type: Indel.
Coding change: c.7793_7798delinsCC on transcript NM_000051.4 (MANE Select); coding-DNA positions 7793 to 7798, GAACAG replaced by CC.
Protein change: p.Arg2598fs; shifts the reading frame from arginine 2598.
Molecular consequence: frameshift variant. On other transcripts: intron variant (2).
Genome position (GRCh38, 1-based): chr11:108,332,766-108,332,771, GAACAG replaced by CC. VCF-style: chr11-108332766-GAACAG-CC. GRCh37 (hg19) VCF-style: chr11-108203493-GAACAG-CC.
Other names: c.641-23700_641-23695delinsGG (NM_001330368.2); c.*38+2449_*38+2454delinsGG (NM_001351110.2); c.7793_7798delinsCC, p.Arg2598fs (NM_001351834.2); short protein forms R2598fs.
Identifiers: ClinVar variation 1760647 (VCV001760647.2), dbSNP rs2547297866, ClinGen allele CA2580083550.